The following is an entry in ClinVar:

NM_005548.3(KARS1):c.1634C>G (p.Ala545Gly)

Gene: KARS1 (lysyl-tRNA synthetase 1; minus strand). Cytogenetic location: 16q23.1.
Variant type: single nucleotide variant.
Coding change: c.1634C>G on transcript NM_005548.3 (MANE Select); coding-DNA position 1634, C replaced by G.
Protein change: p.Ala545Gly; replaces alanine 545 with glycine.
Molecular consequence: missense variant.
Genome position (GRCh38, 1-based): chr16:75,628,630, G>C on the plus strand (C>G on the coding strand, the complement: KARS1 is on the minus strand). VCF-style: chr16-75628630-G-C. GRCh37 (hg19) VCF-style: chr16-75662528-G-C.
Other names: c.1718C>G, p.Ala573Gly (NM_001130089.2); c.1166C>G, p.Ala389Gly (NM_001378148.1); short protein forms A389G, A545G, A573G.
Identifiers: ClinVar variation 2573743 (VCV002573743.1), dbSNP rs1485251073, ClinGen allele CA396809641.

ClinVar aggregate classification (germline): Uncertain significance (1 of 4 stars; one submission).

Allele frequency attached by ClinVar (database versions not stated): gnomAD exomes below 0.00001.
gnomAD v4.1: 2 of 1,614,188 alleles (0.00012%); highest among the groups gnomAD compares: Non-Finnish European, 0.00017%; no homozygotes.

Submission:

GeneDx
Classification: Uncertain significance. Last evaluated: 2023-01-18. Review status: criteria provided, single submitter. Criteria: GeneDx Variant Classification Process June 2021. Collection method: clinical testing. Allele origin: germline. Affected: yes.
Comment: Not observed at significant frequency in large population cohorts (gnomAD); In silico analysis supports that this missense variant does not alter protein structure/function; Has not been previously published as pathogenic or benign to our knowledge